The following is an entry in ClinVar:

NM_001939.3(DRP2):c.1870C>T (p.Arg624Trp)

Gene: DRP2 (dystrophin related protein 2; plus strand). Cytogenetic location: Xq22.1.
Variant type: single nucleotide variant.
Coding change: c.1870C>T on transcript NM_001939.3 (MANE Select); coding-DNA position 1870, C replaced by T.
Protein change: p.Arg624Trp; replaces arginine 624 with tryptophan.
Molecular consequence: missense variant.
Genome position (GRCh38, 1-based): chrX:101,252,609, C>T. VCF-style: chrX-101252609-C-T. GRCh37 (hg19) VCF-style: chrX-100507598-C-T.
Other names: c.1636C>T, p.Arg546Trp (NM_001171184.2); short protein forms R546W, R624W.
Identifiers: ClinVar variation 1913678 (VCV001913678.5), dbSNP rs1461324020, ClinGen allele CA413932748.

ClinVar aggregate classification (germline): Uncertain significance (1 of 4 stars; one submission).

Allele frequency attached by ClinVar (database versions not stated): gnomAD exomes below 0.00001.
gnomAD v4.1: 1 of 1,209,458 alleles (0.000083%); highest among the groups gnomAD compares: Non-Finnish European, 0.00011%; no homozygotes.

Submission:

Labcorp Genetics (formerly Invitae), Labcorp
Classification: Uncertain significance. Last evaluated: 2024-08-28. Review status: criteria provided, single submitter. Criteria: Invitae Variant Classification Sherloc (09022015). Collection method: clinical testing. Allele origin: germline.
Comment: This sequence change replaces arginine, which is basic and polar, with tryptophan, which is neutral and slightly polar, at codon 624 of the DRP2 protein (p.Arg624Trp). This variant is not present in population databases (gnomAD no frequency). This missense change has been observed in individual(s) with Charcot-Marie-Tooth disease (internal data). ClinVar contains an entry for this variant (Variation ID: 1913678). Invitae Evidence Modeling of protein sequence and biophysical properties (such as structural, functional, and spatial information, amino acid conservation, physicochemical variation, residue mobility, and thermodynamic stability) indicates that this missense variant is expected to disrupt DRP2 protein function with a positive predictive value of 80%. In summary, the available evidence is currently insufficient to determine the role of this variant in disease. Therefore, it has been classified as a Variant of Uncertain Significance.